The following is an entry in ClinVar:

ClinVar aggregate classification (germline): Uncertain significance (1 of 4 stars; one submission).

Allele frequency attached by ClinVar (database versions not stated): gnomAD exomes 0.00002 and 0.00013; TOPMed 0.00034; gnomAD 0.00043 and 0.00044.
gnomAD v4.1: 103 of 1,614,048 alleles (0.0064%); highest among the groups gnomAD compares: Admixed American, 0.17%; 1 homozygote.

Submission:

Labcorp Genetics (formerly Invitae), Labcorp
Classification: Uncertain significance. Last evaluated: 2022-10-13. Review status: criteria provided, single submitter. Criteria: Invitae Variant Classification Sherloc (09022015). Collection method: clinical testing. Allele origin: germline.
Comment: This sequence change replaces alanine, which is neutral and non-polar, with valine, which is neutral and non-polar, at codon 772 of the DHX38 protein (p.Ala772Val). This variant is present in population databases (no rsID available, gnomAD 0.09%). This variant has not been reported in the literature in individuals affected with DHX38-related conditions. ClinVar contains an entry for this variant (Variation ID: 855134). Advanced modeling of protein sequence and biophysical properties (such as structural, functional, and spatial information, amino acid conservation, physicochemical variation, residue mobility, and thermodynamic stability) performed at Invitae indicates that this missense variant is not expected to disrupt DHX38 protein function. In summary, the available evidence is currently insufficient to determine the role of this variant in disease. Therefore, it has been classified as a Variant of Uncertain Significance.

NM_014003.4(DHX38):c.2315C>T (p.Ala772Val)

Gene: DHX38 (DEAH-box helicase 38; plus strand). Cytogenetic location: 16q22.2.
Variant type: single nucleotide variant.
Coding change: c.2315C>T on transcript NM_014003.4 (MANE Select); coding-DNA position 2315, C replaced by T.
Protein change: p.Ala772Val; replaces alanine 772 with valine.
Molecular consequence: missense variant.
Genome position (GRCh38, 1-based): chr16:72,105,284, C>T. VCF-style: chr16-72105284-C-T. GRCh37 (hg19) VCF-style: chr16-72139183-C-T.
Other names: short protein forms A772V.
Identifiers: ClinVar variation 855134 (VCV000855134.3), dbSNP rs1188329722, ClinGen allele CA396711982.